The following is an entry in ClinVar:

NM_001134831.2(AHI1):c.191C>A (p.Pro64His)

Gene: AHI1 (Abelson helper integration site 1; minus strand). Cytogenetic location: 6q23.3.
Variant type: single nucleotide variant.
Coding change: c.191C>A on transcript NM_001134831.2 (MANE Select); coding-DNA position 191, C replaced by A.
Protein change: p.Pro64His; replaces proline 64 with histidine.
Molecular consequence: missense variant.
Genome position (GRCh38, 1-based): chr6:135,466,372, G>T on the plus strand (C>A on the coding strand, the complement: AHI1 is on the minus strand). VCF-style: chr6-135466372-G-T. GRCh37 (hg19) VCF-style: chr6-135787510-G-T.
Other names: c.191C>A, p.Pro64His (NM_001134830.2, NM_001134832.2, NM_001350503.2 and 2 more transcripts); short protein forms P64H.
Identifiers: ClinVar variation 1042847 (VCV001042847.6), dbSNP rs574938408, ClinGen allele CA4012879.
Genomic context (GRCh38, chr6:135,466,372, plus strand): 5'-GCACTTACATCATCACTTGTAGTTTCTTTAATATGGGGAAGATTGCTTCTAATAGTGTCG[G>T]GCTAGGAAAAGAAGACATGATAACAAAGTTTCAGTTACACATAGATTAGTTATATAAAGA-3'
Protein context (NP_001128303.1, residues 54-74): HYMKETTSDD[Pro64His]DTIRSNLPHI

ClinVar aggregate classification (germline): Uncertain significance. Review status: criteria provided, multiple submitters, no conflicts (2 of 4 stars). 3 submissions from 3 submitters: Uncertain significance (3). Last evaluated 2022-05-05.

Conditions:
Joubert syndrome 3 (JBTS3). Also called: AHI1-related Ciliopathy. Identifiers: Orphanet 220493, MedGen C1837713, MONDO:0012078, OMIM 608629.
Joubert syndrome. Also called: Familial aplasia of the vermis; JOUBERT-BOLTSHAUSER SYNDROME. Identifiers: Orphanet 475, MedGen C5979921, MONDO:0018772.

Allele frequency attached by ClinVar (database versions not stated): ExAC 0.00001; gnomAD exomes 0.00001; gnomAD 0.00002; TOPMed 0.00002; 1000 Genomes Project 30x 0.00016; 1000 Genomes Project 0.00020.
gnomAD v4.1: 5 of 1,611,308 alleles (0.00031%); highest among the groups gnomAD compares: African/African-American, 0.0053%; no homozygotes.

Submissions (3):

Labcorp Genetics (formerly Invitae), Labcorp
Classification: Uncertain significance for Joubert syndrome. Last evaluated: 2022-05-05. Review status: criteria provided, single submitter. Criteria: Invitae Variant Classification Sherloc (09022015). Collection method: clinical testing. Allele origin: germline.
Comment: This sequence change replaces proline, which is neutral and non-polar, with histidine, which is basic and polar, at codon 64 of the AHI1 protein (p.Pro64His). This variant is present in population databases (rs574938408, gnomAD 0.008%). This variant has not been reported in the literature in individuals affected with AHI1-related conditions. ClinVar contains an entry for this variant (Variation ID: 1042847). Algorithms developed to predict the effect of missense changes on protein structure and function are either unavailable or do not agree on the potential impact of this missense change (SIFT: "Deleterious"; PolyPhen-2: "Benign"; Align-GVGD: "Class C0"). In summary, the available evidence is currently insufficient to determine the role of this variant in disease. Therefore, it has been classified as a Variant of Uncertain Significance.

Fulgent Genetics
Classification: Uncertain significance for Joubert syndrome 3. Last evaluated: 2022-01-08. Review status: criteria provided, single submitter. Criteria: ACMG Guidelines, 2015. Collection method: clinical testing. Allele origin: unknown.

Blueprint Genetics
Classification: Uncertain significance. Last evaluated: 2019-09-21. Review status: criteria provided, single submitter. Criteria: ACMG Guidelines, 2015. Collection method: clinical testing. Allele origin: germline.